The following is an entry in ClinVar:

NM_016592.5(GNAS):c.398C>G (p.Pro133Arg)

Genes: GNAS (GNAS complex locus; plus strand), GNAS-AS1 (GNAS antisense RNA 1; minus strand). Cytogenetic location: 20q13.32.
Variant type: single nucleotide variant.
Coding change: c.398C>G on transcript NM_016592.5 (MANE Plus Clinical); coding-DNA position 398, C replaced by G.
Protein change: p.Pro133Arg; replaces proline 133 with arginine.
Molecular consequence: missense variant. On other transcripts: 5 prime UTR variant (1).
Genome position (GRCh38, 1-based): chr20:58,840,504, C>G. VCF-style: chr20-58840504-C-G. GRCh37 (hg19) VCF-style: chr20-57415559-C-G.
Other names: c.-340C>G (NM_001410912.1); short protein forms P133R.
Identifiers: ClinVar variation 4982120 (VCV004982120.1).

ClinVar aggregate classification (germline): Uncertain significance (1 of 4 stars; one submission).

Conditions:
GNAS-related disorder. Identifiers: MedGen CN380105.

gnomAD v4.1: 11 of 1,613,324 alleles (0.00068%); highest among the groups gnomAD compares: Non-Finnish European, 0.00093%; no homozygotes.

Submission:

PreventionGenetics, part of Exact Sciences
Classification: Uncertain significance for GNAS-related condition. Last evaluated: 2025-10-15. Review status: criteria provided, single submitter. Criteria: ACMG Guidelines, 2015. Collection method: clinical testing. Allele origin: germline.
Comment: The GNAS c.398C>G variant is predicted to result in the amino acid substitution p.Pro133Arg. To our knowledge, this variant has not been reported in the literature. This variant occurs in the pre-coding region of the primary GNAS transcript (NM_000516: c.-51223C>G. This variant is reported in 0.0018% of alleles in individuals of European (Non-Finnish) descent in gnomAD. At this time, the clinical significance of this variant is uncertain due to the absence of conclusive functional and genetic evidence.